The following is an entry in ClinVar:

NM_002839.4(PTPRD):c.1248A>G (p.Ala416=)

Gene: PTPRD (protein tyrosine phosphatase receptor type D; minus strand). Cytogenetic location: 9p24.1.
Variant type: single nucleotide variant.
Coding change: c.1248A>G on transcript NM_002839.4 (MANE Select); coding-DNA position 1248, A replaced by G.
Protein change: p.Ala416=; no amino-acid change (alanine 416 retained).
Molecular consequence: synonymous variant.
Genome position (GRCh38, 1-based): chr9:8,518,143, T>C on the plus strand (A>G on the coding strand, the complement: PTPRD is on the minus strand). VCF-style: chr9-8518143-T-C. GRCh37 (hg19) VCF-style: chr9-8518143-T-C.
Other names: c.1239A>G, p.Ala413= (NM_001040712.2, NM_001377947.1); c.1218A>G, p.Ala406= (NM_001171025.2); c.1230A>G, p.Ala410= (NM_001377946.1, NM_130393.3); c.1248A>G, p.Ala416= (NM_001377958.1, NM_001378058.1, NM_130391.4 and 1 more transcripts).
Identifiers: ClinVar variation 3060076 (VCV003060076.2), dbSNP rs7026388, ClinGen allele CA4984559.

ClinVar aggregate classification (germline): Benign (0 of 4 stars; one submission).

Conditions:
PTPRD-related disorder. Also called: PTPRD-related condition.

Allele frequency attached by ClinVar (database versions not stated): ExAC 0.21701; ESP Exome Variant Server 0.23274; gnomAD 0.23843; TOPMed 0.24982; 1000 Genomes Project 30x 0.30356; 1000 Genomes Project 0.30731.
gnomAD v4.1: 290,461 of 1,613,876 alleles (18%); highest among the groups gnomAD compares: African/African-American, 40%; 29,987 homozygotes.

Submission:

PreventionGenetics, part of Exact Sciences
Classification: Benign for PTPRD-related condition. Last evaluated: 2019-10-21. Review status: no assertion criteria provided. Collection method: clinical testing. Allele origin: germline.
Comment: This variant is classified as benign based on ACMG/AMP sequence variant interpretation guidelines (Richards et al. 2015 PMID: 25741868, with internal and published modifications).